The following is an entry in ClinVar:

NM_017802.4(DNAAF5):c.1042G>A (p.Gly348Ser)

Gene: DNAAF5 (dynein axonemal assembly factor 5; plus strand). Cytogenetic location: 7p22.3.
Variant type: single nucleotide variant.
Coding change: c.1042G>A on transcript NM_017802.4 (MANE Select); coding-DNA position 1042, G replaced by A.
Protein change: p.Gly348Ser; replaces glycine 348 with serine.
Molecular consequence: missense variant. On other transcripts: non-coding transcript variant (1).
Genome position (GRCh38, 1-based): chr7:754,606, G>A. VCF-style: chr7-754606-G-A. GRCh37 (hg19) VCF-style: chr7-794243-G-A.
Other names: short protein forms G348S.
Identifiers: ClinVar variation 1774538 (VCV001774538.2), dbSNP rs1782423731, ClinGen allele CA366536150.

ClinVar aggregate classification (germline): Uncertain significance (1 of 4 stars; one submission).

Conditions:
Primary ciliary dyskinesia. Also called: Ciliary dyskinesia. Identifiers: Orphanet 244, MedGen C0008780, MONDO:0016575, HP:0012265.

Allele frequency attached by ClinVar (database versions not stated): gnomAD 0.00001; gnomAD exomes 0.00001; TOPMed 0.00001.
gnomAD v4.1: 16 of 1,613,944 alleles (0.00099%); highest among the groups gnomAD compares: African/African-American, 0.0013%; no homozygotes.

Submission:

Ambry Genetics
Classification: Uncertain significance for Primary ciliary dyskinesia. Last evaluated: 2021-10-05. Review status: criteria provided, single submitter. Criteria: Ambry Variant Classification Scheme 2023. Collection method: clinical testing. Allele origin: germline.
Comment: The p.G348S variant (also known as c.1042G>A), located in coding exon 5 of the DNAAF5 gene, results from a G to A substitution at nucleotide position 1042. The glycine at codon 348 is replaced by serine, an amino acid with similar properties. This amino acid position is conserved. In addition, this alteration is predicted to be deleterious by in silico analysis. Since supporting evidence is limited at this time, the clinical significance of this alteration remains unclear.